The following is an entry in ClinVar:

ClinVar aggregate classification (germline): Uncertain significance (1 of 4 stars; one submission).

Allele frequency attached by ClinVar (database versions not stated): TOPMed 0.00002; gnomAD 0.00003 and 0.00004; gnomAD exomes 0.00004; ExAC 0.00005; 1000 Genomes Project 30x 0.00016; 1000 Genomes Project 0.00020.
gnomAD v4.1: 19 of 1,614,106 alleles (0.0012%); highest among the groups gnomAD compares: East Asian, 0.0089%; no homozygotes.

Submission:

Labcorp Genetics (formerly Invitae), Labcorp
Classification: Uncertain significance. Last evaluated: 2025-09-11. Review status: criteria provided, single submitter. Criteria: Invitae Variant Classification Sherloc (09022015). Collection method: clinical testing. Allele origin: germline.
Comment: This sequence change replaces arginine, which is basic and polar, with glutamine, which is neutral and polar, at codon 856 of the KIF20A protein (p.Arg856Gln). This variant is present in population databases (rs527632155, gnomAD 0.03%). This variant has not been reported in the literature in individuals affected with KIF20A-related conditions. ClinVar contains an entry for this variant (Variation ID: 1524088). An algorithm developed to predict the effect of missense changes on protein structure and function (PolyPhen-2) suggests that this variant is likely to be tolerated. In summary, the available evidence is currently insufficient to determine the role of this variant in disease. Therefore, it has been classified as a Variant of Uncertain Significance.

NM_005733.3(KIF20A):c.2567G>A (p.Arg856Gln)

Gene: KIF20A (kinesin family member 20A; plus strand). Cytogenetic location: 5q31.2.
Variant type: single nucleotide variant.
Coding change: c.2567G>A on transcript NM_005733.3 (MANE Select); coding-DNA position 2567, G replaced by A.
Protein change: p.Arg856Gln; replaces arginine 856 with glutamine.
Molecular consequence: missense variant.
Genome position (GRCh38, 1-based): chr5:138,187,307, G>A. VCF-style: chr5-138187307-G-A. GRCh37 (hg19) VCF-style: chr5-137522996-G-A.
Other names: short protein forms R856Q.
Identifiers: ClinVar variation 1524088 (VCV001524088.8), dbSNP rs527632155, ClinGen allele CA3426939.